The following is an entry in ClinVar:

NM_005462.5(MAGEC1):c.624C>T (p.Ser208=)

Gene: MAGEC1 (MAGE family member C1; plus strand). Cytogenetic location: Xq27.2.
Variant type: single nucleotide variant.
Coding change: c.624C>T on transcript NM_005462.5 (MANE Select); coding-DNA position 624, C replaced by T.
Protein change: p.Ser208=; no amino-acid change (serine 208 retained).
Molecular consequence: synonymous variant.
Genome position (GRCh38, 1-based): chrX:141,906,028, C>T. VCF-style: chrX-141906028-C-T. GRCh37 (hg19) VCF-style: chrX-140993814-C-T.
Identifiers: ClinVar variation 2661556 (VCV002661556.24), dbSNP rs766166929, ClinGen allele CA10533189.

ClinVar aggregate classification (germline): Likely benign (1 of 4 stars; one submission).

Allele frequency attached by ClinVar (database versions not stated): gnomAD exomes below 0.00001; ExAC 0.00001.

Submission:

CeGaT Center for Human Genetics Tuebingen
Classification: Likely benign. Last evaluated: 2022-05-01. Review status: criteria provided, single submitter. Criteria: CeGaT Center For Human Genetics Tuebingen Variant Classification Criteria Version 2. Collection method: clinical testing. Allele origin: germline. Affected: yes. Observed: 1 variant allele.
Comment: MAGEC1: BP4